The following is an entry in ClinVar:

NM_001943.5(DSG2):c.2700G>T (p.Glu900Asp)

Genes: DSG2 (desmoglein 2; plus strand), DSG2-AS1 (DSG2 antisense RNA 1; minus strand). Cytogenetic location: 18q12.1.
Variant type: single nucleotide variant.
Coding change: c.2700G>T on transcript NM_001943.5 (MANE Select); coding-DNA position 2700, G replaced by T.
Protein change: p.Glu900Asp; replaces glutamic acid 900 with aspartic acid.
Molecular consequence: missense variant.
Genome position (GRCh38, 1-based): chr18:31,546,086, G>T. VCF-style: chr18-31546086-G-T. GRCh37 (hg19) VCF-style: chr18-29126049-G-T.
Other names: short protein forms E900D.
Identifiers: ClinVar variation 920637 (VCV000920637.13), dbSNP rs1396387126, ClinGen allele CA402146225.
Genomic context (GRCh38, chr18:31,546,086, plus strand): 5'-TACCTACTCCTCTGGCAGTAGCTTCCCAGTTCCAAAATCTTTGCAAGAAGCCAATGCAGA[G>T]AAAGTAACTCAGGAAATAGTCACTGAAAGATCTGTGTCTTCTAGGCAGGCGCAAAAGGTA-3'
Protein context (NP_001934.2, residues 890-910): VPKSLQEANA[Glu900Asp]KVTQEIVTER

ClinVar aggregate classification (germline): Uncertain significance. Review status: criteria provided, multiple submitters, no conflicts (2 of 4 stars). 3 submissions from 3 submitters: Uncertain significance (3). Last evaluated 2024-03-06.

Conditions:
Cardiovascular phenotype. Identifiers: MedGen CN230736.
Arrhythmogenic right ventricular dysplasia 10. Also called: ARRHYTHMOGENIC RIGHT VENTRICULAR DYSPLASIA, FAMILIAL, 10; Arrhythmogenic right ventricular dysplasia/cardiomyopathy, type 10; Arrhythmogenic Right Ventricular Dysplasia/Cardiomyopathy10. Identifiers: MedGen C1857777, MONDO:0012434, OMIM 610193.
Cardiomyopathy (CMYO). Also called: Cardiomyopathies. Identifiers: Orphanet 167848, MedGen C0878544, MONDO:0004994, HP:0001638. Inheritance: Various modes of inheritance.

gnomAD v4.1: 4 of 1,614,206 alleles (0.00025%); highest among the groups gnomAD compares: Non-Finnish European, 0.00034%; no homozygotes.

Submissions (3):

Color Diagnostics, LLC DBA Color Health
Classification: Uncertain significance for Cardiomyopathy. Last evaluated: 2024-03-06. Review status: criteria provided, single submitter. Criteria: ACMG Guidelines, 2015. Collection method: clinical testing. Allele origin: germline.
Comment: This missense variant replaces glutamic acid with aspartic acid at codon 900 of the DSG2 protein. Computational prediction suggests that this variant may not impact protein structure and function (internally defined REVEL score threshold <= 0.5, PMID: 27666373). To our knowledge, functional studies have not been reported for this variant. This variant has not been reported in individuals affected with DSG2-related disorders in the literature. This variant has not been identified in the general population by the Genome Aggregation Database (gnomAD). The available evidence is insufficient to determine the role of this variant in disease conclusively. Therefore, this variant is classified as a Variant of Uncertain Significance.

Labcorp Genetics (formerly Invitae), Labcorp
Classification: Uncertain significance for Arrhythmogenic right ventricular dysplasia 10. Last evaluated: 2022-07-12. Review status: criteria provided, single submitter. Criteria: Invitae Variant Classification Sherloc (09022015). Collection method: clinical testing. Allele origin: germline.
Comment: In summary, the available evidence is currently insufficient to determine the role of this variant in disease. Therefore, it has been classified as a Variant of Uncertain Significance. Algorithms developed to predict the effect of missense changes on protein structure and function are either unavailable or do not agree on the potential impact of this missense change (SIFT: "Tolerated"; PolyPhen-2: "Possibly Damaging"; Align-GVGD: "Class C0"). ClinVar contains an entry for this variant (Variation ID: 920637). This variant has not been reported in the literature in individuals affected with DSG2-related conditions. This variant is not present in population databases (gnomAD no frequency). This sequence change replaces glutamic acid, which is acidic and polar, with aspartic acid, which is acidic and polar, at codon 900 of the DSG2 protein (p.Glu900Asp).

Ambry Genetics
Classification: Uncertain significance for Cardiovascular phenotype. Last evaluated: 2021-06-08. Review status: criteria provided, single submitter. Criteria: Ambry Variant Classification Scheme 2023. Collection method: clinical testing. Allele origin: germline.
Comment: The p.E900D variant (also known as c.2700G>T), located in coding exon 15 of the DSG2 gene, results from a G to T substitution at nucleotide position 2700. The glutamic acid at codon 900 is replaced by aspartic acid, an amino acid with highly similar properties. This amino acid position is well conserved in available vertebrate species. In addition, this alteration is predicted to be tolerated by in silico analysis. Since supporting evidence is limited at this time, the clinical significance of this alteration remains unclear.